The following is an entry in ClinVar:

ClinVar aggregate classification (germline): Pathogenic (3 of 4 stars; one submission).

Conditions:
Hereditary factor VIII deficiency disease (HEMA). Also called: HEMOPHILIA, CLASSIC; AUTOSOMAL HEMOPHILIA A; Hemophilia A; Hemophilia A, congenital; HEM A; Factor 8 deficiency, congenital. Identifiers: Orphanet 98878, MedGen C0019069, MONDO:0010602, OMIM 306700.

gnomAD v4.1: 1 of 1,211,052 alleles (0.000083%); no homozygotes.

Submission:

ClinGen Coagulation Factor Deficiency Variant Curation Expert Panel, Clingen
Classification: Pathogenic for Hereditary factor VIII deficiency disease. Last evaluated: 2024-12-06. Review status: reviewed by expert panel. Criteria: ClinGen CoagFactor ACMG Specifications F8 V1.0.0. Collection method: curation. Allele origin: germline. Inheritance: X-linked inheritance.
Comment: The c.1244C>T (p.Ala415Val) variant is absent from males in population databases (gnomAD v2.1.1/gnomAD v3). The missense variant has a REVEL score of 0.829 (>0.6). At least 27 patients of French origin are reported with moderate-severe hemophilia A in PMID: 29656491, meeting F8 phenotype criteria. A founder effect is suggested for the variant. c.1244C>A (p.Ala415Asp) and c.1243G>A (p.Ala415Thr) are both present at this codon. c.1243G>A (p.Ala415Thr) is a VUS and c.1244C>A (p.Ala415Asp) is likely pathogenic. In summary, this variant meets criteria to be classified as pathogenic. ACMG/AMP criteria applied, as specified by the Coagulation Factor Deficiency Variant Curation Expert Panel for F8/F9: PS4_Very Strong, PP3, PM2_Supporting.

NM_000132.4(F8):c.1244C>T (p.Ala415Val)

Gene: F8 (coagulation factor VIII; minus strand). Cytogenetic location: Xq28.
Variant type: single nucleotide variant.
Coding change: c.1244C>T on transcript NM_000132.4 (MANE Select); coding-DNA position 1244, C replaced by T.
Protein change: p.Ala415Val; replaces alanine 415 with valine.
Molecular consequence: missense variant.
Genome position (GRCh38, 1-based): chrX:154,966,453, G>A on the plus strand (C>T on the coding strand, the complement: F8 is on the minus strand). VCF-style: chrX-154966453-G-A. GRCh37 (hg19) VCF-style: chrX-154194728-G-A.
Other names: NM_000132.3:c.1244C>T; short protein forms A415V.
Identifiers: ClinVar variation 3390359 (VCV003390359.1).